The following is an entry in ClinVar:

NM_138691.3(TMC1):c.1094G>A (p.Arg365Lys)

Gene: TMC1 (transmembrane channel like 1; plus strand). Cytogenetic location: 9q21.13.
Variant type: single nucleotide variant.
Coding change: c.1094G>A on transcript NM_138691.3 (MANE Select); coding-DNA position 1094, G replaced by A.
Protein change: p.Arg365Lys; replaces arginine 365 with lysine.
Molecular consequence: missense variant.
Genome position (GRCh38, 1-based): chr9:72,789,187, G>A. VCF-style: chr9-72789187-G-A. GRCh37 (hg19) VCF-style: chr9-75404103-G-A.
Other names: short protein forms R365K.
Identifiers: ClinVar variation 3340147 (VCV003340147.1).

ClinVar aggregate classification (germline): Likely pathogenic (1 of 4 stars; one submission).

Conditions:
Hearing loss, autosomal recessive. Also called: Deafness, autosomal recessive; Autosomal recessive nonsyndromic deafness; Rare autosomal recessive non-syndromic sensorineural deafness type DFNB; Nonsyndromic Hearing Loss, Recessive. Identifiers: Orphanet 90635, Orphanet 90636, MedGen C1846647, MONDO:0019588, OMIM 607197.

gnomAD v4.1: 1 of 1,613,764 alleles (0.000062%); highest among the groups gnomAD compares: Non-Finnish European, 0.000085%; no homozygotes.

Submission:

Laboratory of Human Genetics, Universidade de São Paulo
Classification: Likely pathogenic for Hearing loss, autosomal recessive. Last evaluated: 2024-05-01. Review status: criteria provided, single submitter. Criteria: ClinGen HL ACMG Specifications v1. Collection method: research. Allele origin: maternal. Affected: yes. Observed: 2 variant alleles.
Comment: The TMC1:NM_138691.2:c.1094G>A has extremely low frequency in gnomAD population databases, It is associated with a recessive disorder detected in trans with a pathogenic variant in affected cases (PM3), Cosegregation with disease in multiple affected family members in a gene definitively known to cause the disease (PP1), computational prediction tools unanimously support a deleterious effect on the gene (PP3), Missense variant in a gene that has a low rate of benign missense variation and where missense variants are a common mechanism of disease (PP2); Here it was found in trans with c.[236+1G>A] in two affected siblings, born from unaffected unrelated couple.